The following is an entry in ClinVar:

ClinVar aggregate classification (germline): Uncertain significance (1 of 4 stars; one submission).

Submission:

Ambry Genetics
Classification: Uncertain significance. Last evaluated: 2024-04-12. Review status: criteria provided, single submitter. Criteria: Ambry Variant Classification Scheme 2023. Collection method: clinical testing. Allele origin: germline.
Comment: The p.E2506K variant (also known as c.7516G>A), located in coding exon 28 of the POLQ gene, results from a G to A substitution at nucleotide position 7516. The glutamic acid at codon 2506 is replaced by lysine, an amino acid with similar properties. This amino acid position is conserved. In addition, this alteration is predicted to be tolerated by in silico analysis. Based on the available evidence, the clinical significance of this variant remains unclear.

NM_199420.4(POLQ):c.7516G>A (p.Glu2506Lys)

Gene: POLQ (DNA polymerase theta; minus strand). Cytogenetic location: 3q13.33.
Variant type: single nucleotide variant.
Coding change: c.7516G>A on transcript NM_199420.4 (MANE Select); coding-DNA position 7516, G replaced by A.
Protein change: p.Glu2506Lys; replaces glutamic acid 2506 with lysine.
Molecular consequence: missense variant.
Genome position (GRCh38, 1-based): chr3:121,436,149, C>T on the plus strand (G>A on the coding strand, the complement: POLQ is on the minus strand). VCF-style: chr3-121436149-C-T. GRCh37 (hg19) VCF-style: chr3-121154996-C-T.
Other names: short protein forms E2506K.
Identifiers: ClinVar variation 3308630 (VCV003308630.1).